The following is an entry in ClinVar:

NM_000282.4(PCCA):c.2027del (p.Lys676fs)

Gene: PCCA (propionyl-CoA carboxylase subunit alpha; plus strand). Cytogenetic location: 13q32.3.
Variant type: Deletion.
Coding change: c.2027del on transcript NM_000282.4 (MANE Select); coding-DNA position 2027, one base deleted (A; older notation c.2027delA).
Protein change: p.Lys676fs; shifts the reading frame from lysine 676.
Molecular consequence: frameshift variant. On other transcripts: non-coding transcript variant (4), intron variant (2).
Genome position (GRCh38, 1-based): chr13:100,515,554, A deleted; the last of 2 consecutive A bases (chr13:100,515,553-100,515,554); deleting either gives the same sequence. VCF-style (leftmost placement, unchanged base first): chr13-100515552-CA-C. GRCh37 (hg19) VCF-style: chr13-101167806-CA-C.
Other names: c.1949del, p.Lys650fs (NM_001127692.3); c.1973del, p.Lys658fs (NM_001352605.2); c.1883del, p.Lys628fs (NM_001352606.2); c.1805del, p.Lys602fs (NM_001352608.2); c.1082del, p.Lys361fs (NM_001352610.2); c.1028del, p.Lys343fs (NM_001352611.2); c.938del, p.Lys313fs (NM_001352612.2); c.1900-12121del (NM_001178004.2); and 2 more; short protein forms K313fs, K361fs, K650fs, K658fs, K343fs, K602fs, K676fs, K628fs.
Identifiers: ClinVar variation 558384 (VCV000558384.14), dbSNP rs1555327702, ClinGen allele CA658823742.

ClinVar aggregate classification (germline): Pathogenic/Likely pathogenic. Review status: criteria provided, multiple submitters, no conflicts (2 of 4 stars). 5 submissions from 5 submitters: Pathogenic (3); Likely pathogenic (1). 1 of the submissions does not count toward it. Last evaluated 2025-10-09.

Conditions:
Propionic acidemia (PROP). Also called: GLYCINEMIA, KETOTIC; HYPERGLYCINEMIA WITH KETOACIDOSIS AND LEUKOPENIA; KETOTIC HYPERGLYCINEMIA. Identifiers: Orphanet 35, MedGen C0268579, MONDO:0011628, OMIM 606054, HP:0003571.

Submissions (5):

Natera, Inc.
Classification: Pathogenic for Propionic acidemia. Last evaluated: 2025-10-09. Review status: criteria provided, single submitter. Criteria: Natera Variant Classification Schema (03/2026). Collection method: clinical testing. Allele origin: germline.
Comment: The c.2027del variant in PCCA is a frameshift variant predicted to shift the reading frame beginning at codon 676 and leads to a stop codon 6 codons downstream. This variant is expected to result in nonsense mediated decay, truncation, or a dysfunctional protein product. This variant is rare in the general population with a frequency below the threshold expected for the associated phenotype(s). This variant has been observed in one or more individuals affected with the associated recessive disease, as either homozygous or compound heterozygous with a second variant (PMID: 38200289). Given the available evidence, this variant is classified as Pathogenic.

Labcorp Genetics (formerly Invitae), Labcorp
Classification: Pathogenic for Propionic acidemia. Last evaluated: 2024-11-04. Review status: criteria provided, single submitter. Criteria: Invitae Variant Classification Sherloc (09022015). Collection method: clinical testing. Allele origin: germline.
Comment: This sequence change creates a premature translational stop signal (p.Lys676Serfs*6) in the PCCA gene. It is expected to result in an absent or disrupted protein product. Loss-of-function variants in PCCA are known to be pathogenic (PMID: 15464417). This variant is not present in population databases (gnomAD no frequency). This variant has not been reported in the literature in individuals affected with PCCA-related conditions. ClinVar contains an entry for this variant (Variation ID: 558384). For these reasons, this variant has been classified as Pathogenic.

Fulgent Genetics
Classification: Likely pathogenic for Propionic acidemia. Last evaluated: 2024-04-30. Review status: criteria provided, single submitter. Criteria: ACMG Guidelines, 2015. Collection method: clinical testing. Allele origin: germline.

Baylor Genetics
Classification: Pathogenic for Propionic acidemia. Last evaluated: 2024-02-08. Review status: criteria provided, single submitter. Criteria: ACMG Guidelines, 2015. Collection method: clinical testing. Allele origin: unknown.

Counsyl
Classification: Likely pathogenic for Propionic acidemia. Last evaluated: 2018-05-18. Review status: no assertion criteria provided. Collection method: clinical testing. Allele origin: unknown. Not counted in ClinVar's aggregate classification.

Literature cited by the submitters: PubMed 38200289 (cited by Natera, Inc.); PubMed 15464417 (cited by Labcorp Genetics (formerly Invitae), Labcorp).